The following is an entry in ClinVar:

ClinVar aggregate classification (germline): Uncertain significance. Review status: criteria provided, single submitter (1 of 4 stars). 2 submissions from 2 submitters: Uncertain significance (1). 1 of the submissions does not count toward it. Last evaluated 2023-01-21.

Conditions:
CFTR-related disorder (CFTR-RD). Also called: CFTR-related condition; CFTR-related disorders. Identifiers: MedGen C5924204, MONDO:7770004.
Cystic fibrosis (CF). Also called: MUCOVISCIDOSIS. Identifiers: Orphanet 586, MedGen C0010674, MONDO:0009061, OMIM 219700. Disease mechanism: loss of function.

Allele frequency attached by ClinVar (database versions not stated): gnomAD 0.00001; ESP Exome Variant Server 0.00008; TOPMed below 0.00001; gnomAD exomes below 0.00001.
gnomAD v4.1: 3 of 1,613,342 alleles (0.00019%); highest among the groups gnomAD compares: Non-Finnish European, 0.00025%; no homozygotes.

Submissions (2):

Ambry Genetics
Classification: Uncertain significance for Cystic fibrosis. Last evaluated: 2023-01-21. Review status: criteria provided, single submitter. Criteria: Ambry Variant Classification Scheme 2023. Collection method: clinical testing. Allele origin: germline.
Comment: The p.K420E variant (also known as c.1258A>G), located in coding exon 10 of the CFTR gene, results from an A to G substitution at nucleotide position 1258. The lysine at codon 420 is replaced by glutamic acid, an amino acid with similar properties. This amino acid position is poorly conserved in available vertebrate species. In addition, this alteration is predicted to be tolerated by in silico analysis. Since supporting evidence is limited at this time, the clinical significance of this alteration remains unclear.

Natera, Inc.
Classification: Uncertain significance for CFTR-related disorders. Last evaluated: 2020-12-07. Review status: no assertion criteria provided. Collection method: clinical testing. Allele origin: germline. Not counted in ClinVar's aggregate classification.

NM_000492.4(CFTR):c.1258A>G (p.Lys420Glu)

Genes: CFTR (CF transmembrane conductance regulator; plus strand), CFTR-AS1 (CFTR antisense RNA 1; minus strand). Cytogenetic location: 7q31.2.
Variant type: single nucleotide variant.
Coding change: c.1258A>G on transcript NM_000492.4 (MANE Select); coding-DNA position 1258, A replaced by G.
Protein change: p.Lys420Glu; replaces lysine 420 with glutamic acid.
Molecular consequence: missense variant.
Genome position (GRCh38, 1-based): chr7:117,548,689, A>G. VCF-style: chr7-117548689-A-G. GRCh37 (hg19) VCF-style: chr7-117188743-A-G.
Other names: short protein forms K420E.
Identifiers: ClinVar variation 818724 (VCV000818724.6), dbSNP rs377629509, ClinGen allele CA164960217.